The following is an entry in ClinVar:

ClinVar aggregate classification (germline): Uncertain significance. Review status: criteria provided, multiple submitters, no conflicts (2 of 4 stars). 2 submissions from 2 submitters: Uncertain significance (2). Last evaluated 2026-05-26.

Conditions:
Inborn genetic diseases. Identifiers: MedGen C0950123, MeSH D030342.

Submissions (2):

Ambry Genetics
Classification: Uncertain significance for Inborn genetic diseases. Last evaluated: 2026-05-26. Review status: criteria provided, single submitter. Criteria: Ambry Variant Classification Scheme 2023. Collection method: clinical testing. Allele origin: germline.

Labcorp Genetics (formerly Invitae), Labcorp
Classification: Uncertain significance. Last evaluated: 2021-06-02. Review status: criteria provided, single submitter. Criteria: Invitae Variant Classification Sherloc (09022015). Collection method: clinical testing. Allele origin: germline.
Comment: In summary, the available evidence is currently insufficient to determine the role of this variant in disease. Therefore, it has been classified as a Variant of Uncertain Significance. Algorithms developed to predict the effect of missense changes on protein structure and function are either unavailable or do not agree on the potential impact of this missense change (SIFT: "Deleterious"; PolyPhen-2: "Not Available"; Align-GVGD: "Class C0"). This variant has been observed in individual(s) with clinical features of CLTC-related conditions (Invitae). This variant is not present in population databases (ExAC no frequency). This sequence change replaces tyrosine with cysteine at codon 925 of the CLTC protein (p.Tyr925Cys). The tyrosine residue is highly conserved and there is a large physicochemical difference between tyrosine and cysteine.

NM_004859.4(CLTC):c.2762A>G (p.Tyr921Cys)

Gene: CLTC (clathrin heavy chain; plus strand). Cytogenetic location: 17q23.1.
Variant type: single nucleotide variant.
Coding change: c.2762A>G on transcript NM_004859.4 (MANE Select); coding-DNA position 2762, A replaced by G.
Protein change: p.Tyr921Cys; replaces tyrosine 921 with cysteine.
Molecular consequence: missense variant.
Genome position (GRCh38, 1-based): chr17:59,677,154, A>G. VCF-style: chr17-59677154-A-G. GRCh37 (hg19) VCF-style: chr17-57754515-A-G.
Other names: c.2774A>G, p.Tyr925Cys (NM_001288653.2); c.2762A>G (NM_004859.3); short protein forms Y925C, Y921C.
Identifiers: ClinVar variation 1476519 (VCV001476519.9), dbSNP rs2143580864, ClinGen allele CA400416155.